The following is an entry in ClinVar:

NM_001379500.1(COL18A1):c.107-12585A>G

Gene: COL18A1 (collagen type XVIII alpha 1 chain; plus strand). Cytogenetic location: 21q22.3.
Variant type: single nucleotide variant.
Coding change: c.107-12585A>G on transcript NM_001379500.1 (MANE Select); 12585 bases into the intron before coding-DNA position 107, A replaced by G.
Molecular consequence: intron variant. On other transcripts: missense variant (2).
Genome position (GRCh38, 1-based): chr21:45,455,657, A>G. VCF-style: chr21-45455657-A-G. GRCh37 (hg19) VCF-style: chr21-46875571-A-G.
Other names: c.127A>G, p.Thr43Ala (NM_030582.4, NM_130444.3); short protein forms T43A.
Identifiers: ClinVar variation 1477749 (VCV001477749.6), dbSNP rs2034774491, ClinGen allele CA410505193.

ClinVar aggregate classification (germline): Uncertain significance (1 of 4 stars; one submission).

Allele frequency attached by ClinVar (database versions not stated): gnomAD exomes below 0.00001; TOPMed below 0.00001; gnomAD 0.00001 and 0.00002.
gnomAD v4.1: 9 of 1,613,878 alleles (0.00056%); highest among the groups gnomAD compares: Middle Eastern, 0.016%; no homozygotes.

Submission:

Labcorp Genetics (formerly Invitae), Labcorp
Classification: Uncertain significance. Last evaluated: 2025-03-18. Review status: criteria provided, single submitter. Criteria: Invitae Variant Classification Sherloc (09022015). Collection method: clinical testing. Allele origin: germline.
Comment: The COL18A1 gene has multiple clinically relevant transcripts. This variant occurs in alternate transcript NM_030582.3, and corresponds to NM_130445.3:c.107-12585A>G in the primary transcript. This sequence change replaces threonine, which is neutral and polar, with alanine, which is neutral and non-polar, at codon 43 of the COL18A1 protein (p.Thr43Ala). This variant is not present in population databases (gnomAD no frequency). This variant has not been reported in the literature in individuals affected with COL18A1-related conditions. ClinVar contains an entry for this variant (Variation ID: 1477749). Experimental studies and prediction algorithms are not available or were not evaluated, and the functional significance of this variant is currently unknown. Algorithms developed to predict the effect of sequence changes on RNA splicing suggest that this variant is not likely to affect RNA splicing. In summary, the available evidence is currently insufficient to determine the role of this variant in disease. Therefore, it has been classified as a Variant of Uncertain Significance.